The following is an entry in ClinVar:

ClinVar aggregate classification (germline): Uncertain significance (1 of 4 stars; one submission).

gnomAD v4.1: 4 of 1,614,038 alleles (0.00025%); highest among the groups gnomAD compares: Admixed American, 0.005%; no homozygotes.

Submission:

Labcorp Genetics (formerly Invitae), Labcorp
Classification: Uncertain significance. Last evaluated: 2025-12-08. Review status: criteria provided, single submitter. Criteria: Invitae Variant Classification Sherloc (09022015). Collection method: clinical testing. Allele origin: germline.
Comment: This sequence change replaces isoleucine, which is neutral and non-polar, with valine, which is neutral and non-polar, at codon 422 of the ARCN1 protein (p.Ile422Val). This variant is present in population databases (rs781939958, gnomAD 0.003%). This variant has not been reported in the literature in individuals affected with ARCN1-related conditions. ClinVar contains an entry for this variant (Variation ID: 3651462). An algorithm developed to predict the effect of missense changes on protein structure and function (PolyPhen-2) suggests that this variant is likely to be tolerated. In summary, the available evidence is currently insufficient to determine the role of this variant in disease. Therefore, it has been classified as a Variant of Uncertain Significance.

NM_001655.5(ARCN1):c.1264A>G (p.Ile422Val)

Gene: ARCN1 (archain 1 coat protein complex I subunit delta; plus strand). Cytogenetic location: 11q23.3.
Variant type: single nucleotide variant.
Coding change: c.1264A>G on transcript NM_001655.5 (MANE Select); coding-DNA position 1264, A replaced by G.
Protein change: p.Ile422Val; replaces isoleucine 422 with valine.
Molecular consequence: missense variant. On other transcripts: non-coding transcript variant (2), intron variant (3).
Genome position (GRCh38, 1-based): chr11:118,597,729, A>G. VCF-style: chr11-118597729-A-G. GRCh37 (hg19) VCF-style: chr11-118468444-A-G.
Other names: c.1000A>G, p.Ile334Val (NM_001142281.2); c.1327A>G, p.Ile443Val (NM_001425073.1); c.1261A>G, p.Ile421Val (NM_001425074.1); c.1207A>G, p.Ile403Val (NM_001425075.1); c.1195A>G, p.Ile399Val (NM_001425076.1); c.1099A>G, p.Ile367Val (NM_001425077.1); c.820A>G, p.Ile274Val (NM_001425080.1); c.1242-2896A>G (NM_001425078.1); and 2 more; short protein forms I367V, I403V, I274V, I334V, I422V, I399V, I421V, I443V.
Identifiers: ClinVar variation 3651462 (VCV003651462.2).